The following is an entry in ClinVar:

ClinVar aggregate classification (germline): Uncertain significance (1 of 4 stars; one submission).

gnomAD v4.1: 4 of 1,613,976 alleles (0.00025%); highest among the groups gnomAD compares: East Asian, 0.0022%; no homozygotes.

Submission:

Labcorp Genetics (formerly Invitae), Labcorp
Classification: Uncertain significance. Last evaluated: 2025-08-21. Review status: criteria provided, single submitter. Criteria: Invitae Variant Classification Sherloc (09022015). Collection method: clinical testing. Allele origin: germline.
Comment: This sequence change replaces asparagine, which is neutral and polar, with aspartic acid, which is acidic and polar, at codon 665 of the LRP5 protein (p.Asn665Asp). This variant is not present in population databases (gnomAD no frequency). This variant has not been reported in the literature in individuals affected with LRP5-related conditions. Invitae Evidence Modeling of protein sequence and biophysical properties (such as structural, functional, and spatial information, amino acid conservation, physicochemical variation, residue mobility, and thermodynamic stability) indicates that this missense variant is not expected to disrupt LRP5 protein function with a negative predictive value of 95%. In summary, the available evidence is currently insufficient to determine the role of this variant in disease. Therefore, it has been classified as a Variant of Uncertain Significance.

NM_002335.4(LRP5):c.1993A>G (p.Asn665Asp)

Gene: LRP5 (LDL receptor related protein 5; plus strand). Cytogenetic location: 11q13.2.
Variant type: single nucleotide variant.
Coding change: c.1993A>G on transcript NM_002335.4 (MANE Select); coding-DNA position 1993, A replaced by G.
Protein change: p.Asn665Asp; replaces asparagine 665 with aspartic acid.
Molecular consequence: missense variant.
Genome position (GRCh38, 1-based): chr11:68,406,715, A>G. VCF-style: chr11-68406715-A-G. GRCh37 (hg19) VCF-style: chr11-68174183-A-G.
Other names: c.250A>G, p.Asn84Asp (NM_001291902.2); short protein forms N84D, N665D.
Identifiers: ClinVar variation 4696775 (VCV004696775.1).
Genomic context (GRCh38, chr11:68,406,715, plus strand): 5'-GCCTTCTTGGTCTTCACCAGCAGAGCCGCCATCCACAGGATCTCCCTCGAGACCAATAAC[A>G]ACGACGTGGCCATCCCGCTCACGGGCGTCAAGGAGGCCTCAGCCCTGGACTTTGATGTGT-3'
Protein context (NP_002326.2, residues 655-675): IHRISLETNN[Asn665Asp]DVAIPLTGVK